The following is an entry in ClinVar:

NM_177438.3(DICER1):c.1117G>C (p.Val373Leu)

Gene: DICER1 (dicer 1, ribonuclease III; minus strand). Cytogenetic location: 14q32.13.
Variant type: single nucleotide variant.
Coding change: c.1117G>C on transcript NM_177438.3 (MANE Select); coding-DNA position 1117, G replaced by C.
Protein change: p.Val373Leu; replaces valine 373 with leucine.
Molecular consequence: missense variant.
Genome position (GRCh38, 1-based): chr14:95,124,455, C>G on the plus strand (G>C on the coding strand, the complement: DICER1 is on the minus strand). VCF-style: chr14-95124455-C-G. GRCh37 (hg19) VCF-style: chr14-95590792-C-G.
Other names: c.1117G>C, p.Val373Leu (NM_001195573.1, NM_001271282.3, NM_001291628.2 and 1 more transcripts); short protein forms V373L.
Identifiers: ClinVar variation 477030 (VCV000477030.18), dbSNP rs369145814, ClinGen allele CA265923445.
Genomic context (GRCh38, chr14:95,124,455, plus strand): 5'-GTCGCTCATATGGTTTATATTTGCGTAAGATTTCGAGCAGTTTGATTACTTTAGGAGTTA[C>G]AAATTTCAGGTCAAGTGAGGCAGGTGAGAAGTGCTCTTCACATAGTGCATGTATTTTCCT-3'
Protein context (NP_803187.1, residues 363-383): FSPASLDLKF[Val373Leu]TPKVIKLLEI

ClinVar aggregate classification (germline): Conflicting classifications of pathogenicity. Review status: criteria provided, conflicting classifications (1 of 4 stars). 5 submissions from 5 submitters: Uncertain significance (4); Likely benign (1). Last evaluated 2026-01-02.

Conditions:
Rhabdomyosarcoma, embryonal, 2 (RMSE2). Identifiers: MedGen C1867234, MONDO:0859046, OMIM 180295.
Global developmental delay - lung cysts - overgrowth - Wilms tumor syndrome. Also called: GLOW Syndrome; GLOBAL DEVELOPMENTAL DELAY, LUNG CYSTS, OVERGROWTH, AND WILMS TUMOR. Identifiers: Orphanet 404476, MedGen C4748924, MONDO:0018445, OMIM 618272.
Euthyroid goiter (MNG1). Also called: Goiter, multinodular 1, with or without Sertoli-Leydig cell tumors; GOITER, NONTOXIC, WITH INTRATHYROIDAL CALCIFICATION; MULTINODULAR GOITER, ADOLESCENT; SIMPLE GOITER. Identifiers: Orphanet 276399, MedGen C0302859, MONDO:0007681, OMIM 138800, HP:0009798.
Pleuropulmonary blastoma (PPB). Identifiers: Orphanet 64742, MedGen C1266144, MONDO:0011014, OMIM 601200, HP:0100528.
DICER1-related tumor predisposition. Also called: DICER1-related pleuropulmonary blastoma cancer predisposition syndrome; DICER1 syndrome. Identifiers: Orphanet 284343, MedGen C3839822, MONDO:0100216.
Hereditary cancer-predisposing syndrome. Also called: Tumor predisposition; Neoplastic Syndromes, Hereditary; Hereditary Cancer Syndrome; Hereditary neoplastic syndrome. Identifiers: Orphanet 140162, MedGen C0027672, MeSH D009386, MONDO:0015356.

Allele frequency attached by ClinVar (database versions not stated): TOPMed below 0.00001; gnomAD 0.00001; gnomAD exomes 0.00001; ESP Exome Variant Server 0.00008.
gnomAD v4.1: 13 of 1,614,002 alleles (0.00081%); highest among the groups gnomAD compares: Non-Finnish European, 0.001%; no homozygotes.

Submissions (5):

Labcorp Genetics (formerly Invitae), Labcorp
Classification: Uncertain significance for DICER1-related tumor predisposition. Last evaluated: 2026-01-02. Review status: criteria provided, single submitter. Criteria: Invitae Variant Classification Sherloc (09022015). Collection method: clinical testing. Allele origin: germline.
Comment: This sequence change replaces valine, which is neutral and non-polar, with leucine, which is neutral and non-polar, at codon 373 of the DICER1 protein (p.Val373Leu). This variant is not present in population databases (gnomAD no frequency). This variant has not been reported in the literature in individuals affected with DICER1-related conditions. ClinVar contains an entry for this variant (Variation ID: 477030). Invitae Evidence Modeling of protein sequence and biophysical properties (such as structural, functional, and spatial information, amino acid conservation, physicochemical variation, residue mobility, and thermodynamic stability) indicates that this missense variant is not expected to disrupt DICER1 protein function with a negative predictive value of 95%. In summary, the available evidence is currently insufficient to determine the role of this variant in disease. Therefore, it has been classified as a Variant of Uncertain Significance.

Baylor Genetics
Classification: Uncertain significance for Global developmental delay - lung cysts - overgrowth - Wilms tumor syndrome. Last evaluated: 2024-03-26. Review status: criteria provided, single submitter. Criteria: ACMG Guidelines, 2015. Collection method: clinical testing. Allele origin: unknown.

Ambry Genetics
Classification: Likely benign for Hereditary cancer-predisposing syndrome. Last evaluated: 2024-03-12. Review status: criteria provided, single submitter. Criteria: Ambry Variant Classification Scheme 2023. Collection method: clinical testing. Allele origin: germline.

Fulgent Genetics
Classification: Uncertain significance for Euthyroid goiter; Rhabdomyosarcoma, embryonal, 2; Pleuropulmonary blastoma; Global developmental delay - lung cysts - overgrowth - Wilms tumor syndrome. Last evaluated: 2024-01-29. Review status: criteria provided, single submitter. Criteria: ACMG Guidelines, 2015. Collection method: clinical testing. Allele origin: germline.

GeneDx
Classification: Uncertain significance. Last evaluated: 2023-12-08. Review status: criteria provided, single submitter. Criteria: GeneDx Variant Classification Process June 2021. Collection method: clinical testing. Allele origin: germline. Affected: yes.
Comment: Not observed at significant frequency in large population cohorts (gnomAD); In silico analysis supports that this missense variant does not alter protein structure/function; Has not been previously published as pathogenic or benign to our knowledge